The following is an entry in ClinVar:

ClinVar aggregate classification (germline): Uncertain significance (1 of 4 stars; one submission).

Conditions:
Hereditary cancer-predisposing syndrome. Also called: Neoplastic Syndromes, Hereditary; Tumor predisposition; Hereditary Cancer Syndrome; Hereditary neoplastic syndrome. Identifiers: Orphanet 140162, MedGen C0027672, MeSH D009386, MONDO:0015356.

Submission:

Ambry Genetics
Classification: Uncertain significance for Hereditary cancer-predisposing syndrome. Last evaluated: 2021-11-30. Review status: criteria provided, single submitter. Criteria: Ambry Variant Classification Scheme 2023. Collection method: clinical testing. Allele origin: germline.
Comment: The p.D601H variant (also known as c.1801G>C), located in coding exon 11 of the NBN gene, results from a G to C substitution at nucleotide position 1801. The aspartic acid at codon 601 is replaced by histidine, an amino acid with similar properties. This amino acid position is conserved. In addition, this alteration is predicted to be tolerated by in silico analysis. Since supporting evidence is limited at this time, the clinical significance of this alteration remains unclear.

NM_002485.5(NBN):c.1801G>C (p.Asp601His)

Gene: NBN (nibrin; minus strand). Cytogenetic location: 8q21.3.
Variant type: single nucleotide variant.
Coding change: c.1801G>C on transcript NM_002485.5 (MANE Select); coding-DNA position 1801, G replaced by C.
Protein change: p.Asp601His; replaces aspartic acid 601 with histidine.
Molecular consequence: missense variant.
Genome position (GRCh38, 1-based): chr8:89,953,288, C>G on the plus strand (G>C on the coding strand, the complement: NBN is on the minus strand). VCF-style: chr8-89953288-C-G. GRCh37 (hg19) VCF-style: chr8-90965516-C-G.
Other names: c.1555G>C, p.Asp519His (NM_001024688.3); short protein forms D519H, D601H.
Identifiers: ClinVar variation 1780417 (VCV001780417.2), dbSNP rs2488228936, ClinGen allele CA371655059.
Genomic context (GRCh38, chr8:89,953,288, plus strand): 5'-TTAAAATGTTACTTACAGATATTTTGCTACTTTCTGGTACTGCTTCATCACTGAAAGTGT[C>G]ATTTGTTTCTATATCCATCCTTGGCCTTTTTCTAACATTGACATCTTCCTCCTGTTTTTG-3'
Protein context (NP_002476.2, residues 591-611): KRPRMDIETN[Asp601His]TFSDEAVPES